The following is an entry in ClinVar:

ClinVar aggregate classification (germline): Benign. Review status: criteria provided, multiple submitters, no conflicts (2 of 4 stars). 4 submissions from 4 submitters: Benign (3). 1 of the submissions does not count toward it. Last evaluated 2026-02-03.

Conditions:
PITRM1-related disorder. Also called: PITRM1-related condition.

Allele frequency attached by ClinVar (database versions not stated): ESP Exome Variant Server 0.04602; gnomAD 0.04964 and 0.05047; 1000 Genomes Project 0.05152; 1000 Genomes Project 30x 0.05247; TOPMed 0.05387.
gnomAD v4.1: 63,719 of 1,608,096 alleles (4%); highest among the groups gnomAD compares: Admixed American, 8.2%; 1,512 homozygotes.

Submissions (4):

Labcorp Genetics (formerly Invitae), Labcorp
Classification: Benign. Last evaluated: 2026-02-03. Review status: criteria provided, single submitter. Criteria: Invitae Variant Classification Sherloc (09022015). Collection method: clinical testing. Allele origin: germline.

Blueprint Genetics
Classification: Benign. Last evaluated: 2024-11-27. Review status: criteria provided, single submitter. Criteria: ACMG Guidelines, 2015. Collection method: clinical testing. Allele origin: germline.

Breakthrough Genomics
Classification: Benign. Review status: criteria provided, single submitter. Criteria: ACMG Guidelines, 2015. Collection method: not provided. Allele origin: germline. Inheritance: Autosomal recessive inheritance. Affected: yes.

PreventionGenetics, part of Exact Sciences
Classification: Benign for PITRM1-related condition. Last evaluated: 2019-11-04. Review status: no assertion criteria provided. Collection method: clinical testing. Allele origin: germline. Not counted in ClinVar's aggregate classification.
Comment: This variant is classified as benign based on ACMG/AMP sequence variant interpretation guidelines (Richards et al. 2015 PMID: 25741868, with internal and published modifications).

NM_014889.4(PITRM1):c.327C>T (p.Thr109=)

Gene: PITRM1 (pitrilysin metallopeptidase 1; minus strand). Cytogenetic location: 10p15.2.
Variant type: single nucleotide variant.
Coding change: c.327C>T on transcript NM_014889.4 (MANE Select); coding-DNA position 327, C replaced by T.
Protein change: p.Thr109=; no amino-acid change (threonine 109 retained).
Molecular consequence: synonymous variant. On other transcripts: 5 prime UTR variant (3), non-coding transcript variant (4).
Genome position (GRCh38, 1-based): chr10:3,166,320, G>A on the plus strand (C>T on the coding strand, the complement: PITRM1 is on the minus strand). VCF-style: chr10-3166320-G-A. GRCh37 (hg19) VCF-style: chr10-3208512-G-A.
Other names: c.327C>T, p.Thr109= (NM_001242307.2, NM_001347725.2); c.231C>T, p.Thr77= (NM_001242309.1); c.-245C>T (NM_001347726.2, NM_001347727.2); c.-974C>T (NM_001347728.2); c.303C>T, p.Thr101= (NM_001347729.1, NM_001347730.1); c.327C>T (NM_001242307.1).
Identifiers: ClinVar variation 1546017 (VCV001546017.12), dbSNP rs1127047, ClinGen allele CA5388238.